The following is an entry in ClinVar:

ClinVar aggregate classification (germline): Uncertain significance (1 of 4 stars; one submission).

Conditions:
Autosomal dominant nocturnal frontal lobe epilepsy 5. Also called: KCNT1-Related Epilepsy; CILIARY DYSKINESIA, PRIMARY, 28, WITHOUT SITUS INVERSUS; CILIARY DYSKINESIA, PRIMARY, 28, WITH SITUS INVERSUS; Epilepsy, nocturnal frontal lobe, 5. Identifiers: Orphanet 98784, MedGen C3554306, MONDO:0014002, OMIM 615005.
Developmental and epileptic encephalopathy, 14 (DEE14). Also called: Early infantile epileptic encephalopathy 14. Identifiers: Orphanet 293181, MedGen C3554195, MONDO:0013989, OMIM 614959.

Submission:

Labcorp Genetics (formerly Invitae), Labcorp
Classification: Uncertain significance for Autosomal dominant nocturnal frontal lobe epilepsy 5; Developmental and epileptic encephalopathy, 14. Last evaluated: 2020-02-17. Review status: criteria provided, single submitter. Criteria: Invitae Variant Classification Sherloc (09022015). Collection method: clinical testing. Allele origin: germline.
Comment: This sequence change creates a premature translational stop signal (p.Ser1051*) in the KCNT1 gene. It is expected to result in an absent or disrupted protein product. This variant is not present in population databases (ExAC no frequency). This variant has not been reported in the literature in individuals with KCNT1-related conditions. Algorithms developed to predict the effect of sequence changes on RNA splicing suggest that this variant may create or strengthen a splice site, but this prediction has not been confirmed by published transcriptional studies. The current clinical and genetic evidence is not sufficient to establish whether loss-of-function variants in KCNT1 cause disease. In summary, the available evidence is currently insufficient to determine the role of this variant in disease. Therefore, it has been classified as a Variant of Uncertain Significance.

NM_020822.3(KCNT1):c.3152C>A (p.Ser1051Ter)

Gene: KCNT1 (potassium sodium-activated channel subfamily T member 1; plus strand). Cytogenetic location: 9q34.3.
Variant type: single nucleotide variant.
Coding change: c.3152C>A on transcript NM_020822.3 (MANE Select); coding-DNA position 3152, C replaced by A.
Protein change: p.Ser1051Ter; replaces serine 1051 with a stop codon.
Molecular consequence: nonsense.
Genome position (GRCh38, 1-based): chr9:135,784,885, C>A. VCF-style: chr9-135784885-C-A. GRCh37 (hg19) VCF-style: chr9-138676731-C-A.
Other names: c.3017C>A, p.Ser1006Ter (NM_001272003.2); short protein forms S1006*, S1051*.
Identifiers: ClinVar variation 999184 (VCV000999184.9), dbSNP rs375749415, ClinGen allele CA375518294.
Genomic context (GRCh38, chr9:135,784,885, plus strand): 5'-CCTCCAGCGCCGAGATCCCCATTGGCATCTACCGGACAGAGAGCCACGTCTTCTCCACCT[C>A]GGAGGTTCTGGGGCAGCCTGGGGGCTGGGACTGTGGCAGCCCCTGTCCTGTGTGACCCAC-3'